The following is an entry in ClinVar:

ClinVar aggregate classification (germline): Likely benign. Review status: criteria provided, multiple submitters, no conflicts (2 of 4 stars). 2 submissions from 2 submitters: Likely benign (2). Last evaluated 2023-03-24.

gnomAD v4.1: 7 of 1,499,456 alleles (0.00047%); highest among the groups gnomAD compares: Non-Finnish European, 0.00062%; no homozygotes.

Submissions (2):

Labcorp Genetics (formerly Invitae), Labcorp
Classification: Likely benign. Last evaluated: 2023-03-24. Review status: criteria provided, single submitter. Criteria: Invitae Variant Classification Sherloc (09022015). Collection method: clinical testing. Allele origin: germline.

CeGaT Center for Human Genetics Tuebingen
Classification: Likely benign. Last evaluated: 2022-06-01. Review status: criteria provided, single submitter. Criteria: CeGaT Center For Human Genetics Tuebingen Variant Classification Criteria Version 2. Collection method: clinical testing. Allele origin: germline. Affected: yes. Observed: 1 variant allele.
Comment: APC2: BP4, BP7

NM_005883.3(APC2):c.5785C>A (p.Arg1929=)

Genes: APC2 (APC regulator of Wnt signaling pathway 2; plus strand), LOC130062956 (ATAC-STARR-seq lymphoblastoid silent region 9718; plus strand). Cytogenetic location: 19p13.3.
Variant type: single nucleotide variant.
Coding change: c.5785C>A on transcript NM_005883.3 (MANE Select); coding-DNA position 5785, C replaced by A.
Protein change: p.Arg1929=; no amino-acid change (arginine 1929 retained).
Molecular consequence: synonymous variant.
Genome position (GRCh38, 1-based): chr19:1,469,086, C>A. VCF-style: chr19-1469086-C-A. GRCh37 (hg19) VCF-style: chr19-1469085-C-A.
Other names: c.5782C>A, p.Arg1928= (NM_001351273.1).
Identifiers: ClinVar variation 2648933 (VCV002648933.27), dbSNP rs762937026, ClinGen allele CA9046113.